The following is an entry in ClinVar:

NM_033026.6(PCLO):c.9736C>G (p.Arg3246Gly)

Gene: PCLO (piccolo presynaptic cytomatrix protein; minus strand). Cytogenetic location: 7q21.11.
Variant type: single nucleotide variant.
Coding change: c.9736C>G on transcript NM_033026.6 (MANE Select); coding-DNA position 9736, C replaced by G.
Protein change: p.Arg3246Gly; replaces arginine 3246 with glycine.
Molecular consequence: missense variant.
Genome position (GRCh38, 1-based): chr7:82,950,852, G>C on the plus strand (C>G on the coding strand, the complement: PCLO is on the minus strand). VCF-style: chr7-82950852-G-C. GRCh37 (hg19) VCF-style: chr7-82580168-G-C.
Other names: c.9736C>G, p.Arg3246Gly (NM_014510.3); short protein forms R3246G.
Identifiers: ClinVar variation 1721926 (VCV001721926.5), dbSNP rs778608512, ClinGen allele CA367906765.

ClinVar aggregate classification (germline): Uncertain significance (1 of 4 stars; one submission).

gnomAD v4.1: 1 of 1,613,464 alleles (0.000062%); highest among the groups gnomAD compares: Admixed American, 0.0017%; no homozygotes.

Submission:

Labcorp Genetics (formerly Invitae), Labcorp
Classification: Uncertain significance. Last evaluated: 2022-08-19. Review status: criteria provided, single submitter. Criteria: Invitae Variant Classification Sherloc (09022015). Collection method: clinical testing. Allele origin: germline.
Comment: This sequence change replaces arginine, which is basic and polar, with glycine, which is neutral and non-polar, at codon 3246 of the PCLO protein (p.Arg3246Gly). This variant is present in population databases (no rsID available, gnomAD 0.003%). This variant has not been reported in the literature in individuals affected with PCLO-related conditions. Algorithms developed to predict the effect of missense changes on protein structure and function are either unavailable or do not agree on the potential impact of this missense change (SIFT: "Deleterious"; PolyPhen-2: "Not Available"; Align-GVGD: "Class C0"). In summary, the available evidence is currently insufficient to determine the role of this variant in disease. Therefore, it has been classified as a Variant of Uncertain Significance.